The following is an entry in ClinVar:

ClinVar aggregate classification (germline): Uncertain significance. Review status: criteria provided, multiple submitters, no conflicts (2 of 4 stars). 3 submissions from 3 submitters: Uncertain significance (3). Last evaluated 2025-04-13.

Conditions:
Autoimmune lymphoproliferative syndrome type 1. Also called: AUTOIMMUNE LYMPHOPROLIFERATIVE SYNDROME, TYPE I, AUTOSOMAL DOMINANT. Identifiers: Orphanet 3261, MedGen C2717884, MONDO:0011158, OMIM 601859.
FASLG-related disorder. Also called: FASLG-related condition.

Allele frequency attached by ClinVar (database versions not stated): gnomAD exomes below 0.00001 and 0.00001; TOPMed below 0.00001.
gnomAD v4.1: 3 of 1,614,022 alleles (0.00019%); highest among the groups gnomAD compares: Non-Finnish European, 0.00025%; no homozygotes.

Submissions (3):

Ambry Genetics
Classification: Uncertain significance. Last evaluated: 2025-04-13. Review status: criteria provided, single submitter. Criteria: Ambry Variant Classification Scheme 2023. Collection method: clinical testing. Allele origin: germline.

PreventionGenetics, part of Exact Sciences
Classification: Uncertain significance for FASLG-related condition. Last evaluated: 2024-11-04. Review status: criteria provided, single submitter. Criteria: ACMG Guidelines, 2015. Collection method: clinical testing. Allele origin: germline.
Comment: The FASLG c.690G>A variant is predicted to result in the amino acid substitution p.Met230Ile. To our knowledge, this variant has not been reported in the literature. This variant is reported in 0.00088% of alleles in individuals of European (Non-Finnish) descent in gnomAD. At this time, the clinical significance of this variant is uncertain due to the absence of conclusive functional and genetic evidence.

Labcorp Genetics (formerly Invitae), Labcorp
Classification: Uncertain significance for Autoimmune lymphoproliferative syndrome. Last evaluated: 2021-08-25. Review status: criteria provided, single submitter. Criteria: Invitae Variant Classification Sherloc (09022015). Collection method: clinical testing. Allele origin: germline.
Comment: This sequence change replaces methionine with isoleucine at codon 230 of the FASLG protein (p.Met230Ile). The methionine residue is weakly conserved and there is a small physicochemical difference between methionine and isoleucine. This variant is not present in population databases (ExAC no frequency). This variant has not been reported in the literature in individuals affected with FASLG-related conditions. Algorithms developed to predict the effect of missense changes on protein structure and function (SIFT, PolyPhen-2, Align-GVGD) all suggest that this variant is likely to be tolerated. In summary, the available evidence is currently insufficient to determine the role of this variant in disease. Therefore, it has been classified as a Variant of Uncertain Significance.

NM_000639.3(FASLG):c.690G>A (p.Met230Ile)

Gene: FASLG (Fas ligand; plus strand). Cytogenetic location: 1q24.3.
Variant type: single nucleotide variant.
Coding change: c.690G>A on transcript NM_000639.3 (MANE Select); coding-DNA position 690, G replaced by A.
Protein change: p.Met230Ile; replaces methionine 230 with isoleucine.
Molecular consequence: missense variant. On other transcripts: 3 prime UTR variant (1).
Genome position (GRCh38, 1-based): chr1:172,665,860, G>A. VCF-style: chr1-172665860-G-A. GRCh37 (hg19) VCF-style: chr1-172635000-G-A.
Other names: c.690G>A (NM_000639.2, NM_000639.1); c.*260G>A (NM_001302746.2); short protein forms M230I.
Identifiers: ClinVar variation 1377537 (VCV001377537.5), dbSNP rs999784381, ClinGen allele CA32979652.